The following is an entry in ClinVar:

ClinVar aggregate classification (germline): Conflicting classifications of pathogenicity. Review status: criteria provided, conflicting classifications (1 of 4 stars). 5 submissions from 5 submitters: Uncertain significance (4); Likely benign (1). Last evaluated 2024-04-09.

Conditions:
Retinal dystrophy. Also called: Inherited retinal dystrophy. Identifiers: Orphanet 71862, MedGen C0854723, MeSH D058499, MONDO:0019118, HP:0000556.
Joubert syndrome. Also called: CEREBELLOPARENCHYMAL DISORDER IV; JOUBERT-BOLTSHAUSER SYNDROME; Familial aplasia of the vermis. Identifiers: Orphanet 475, MedGen C5979921, MONDO:0018772.
Joubert syndrome 3 (JBTS3). Also called: AHI1-related Ciliopathy. Identifiers: Orphanet 220493, MedGen C1837713, MONDO:0012078, OMIM 608629.

Allele frequency attached by ClinVar (database versions not stated): gnomAD 0.00001; ExAC 0.00002; gnomAD exomes 0.00003 and 0.00004.
gnomAD v4.1: 50 of 1,607,980 alleles (0.0031%); highest among the groups gnomAD compares: Middle Eastern, 0.066%; no homozygotes.

Submissions (5):

Fulgent Genetics
Classification: Uncertain significance for Joubert syndrome 3. Last evaluated: 2024-04-09. Review status: criteria provided, single submitter. Criteria: ACMG Guidelines, 2015. Collection method: clinical testing. Allele origin: germline.

Labcorp Genetics (formerly Invitae), Labcorp
Classification: Uncertain significance for Joubert syndrome. Last evaluated: 2022-10-05. Review status: criteria provided, single submitter. Criteria: Invitae Variant Classification Sherloc (09022015). Collection method: clinical testing. Allele origin: germline.
Comment: This sequence change replaces valine, which is neutral and non-polar, with leucine, which is neutral and non-polar, at codon 767 of the AHI1 protein (p.Val767Leu). This variant is present in population databases (rs755688765, gnomAD 0.01%). This missense change has been observed in individual(s) with clinical features of Joubert syndrome (PMID: 30755392). ClinVar contains an entry for this variant (Variation ID: 260843). Advanced modeling of protein sequence and biophysical properties (such as structural, functional, and spatial information, amino acid conservation, physicochemical variation, residue mobility, and thermodynamic stability) performed at Invitae indicates that this missense variant is not expected to disrupt AHI1 protein function. In summary, the available evidence is currently insufficient to determine the role of this variant in disease. Therefore, it has been classified as a Variant of Uncertain Significance.

Institute of Human Genetics, Univ. Regensburg, Univ. Regensburg
Classification: Uncertain significance for Retinal dystrophy. Last evaluated: 2022-01-01. Review status: criteria provided, single submitter. Criteria: ACMG Guidelines, 2015. Collection method: clinical testing. Allele origin: germline. Affected: yes.

Center for Personalized Medicine, Children's Hospital Los Angeles
Classification: Uncertain significance. Last evaluated: 2018-11-19. Review status: criteria provided, single submitter. Criteria: ACMG Guidelines, 2015. Collection method: clinical testing. Allele origin: germline. Affected: yes.

PreventionGenetics, part of Exact Sciences
Classification: Likely benign. Review status: criteria provided, single submitter. Criteria: ACMG Guidelines, 2015. Collection method: clinical testing. Allele origin: germline.

Literature cited by the submitters: PubMed 30755392 (cited by Labcorp Genetics (formerly Invitae), Labcorp and Institute of Human Genetics, Univ. Regensburg, Univ. Regensburg).

NM_001134831.2(AHI1):c.2299G>T (p.Val767Leu)

Gene: AHI1 (Abelson helper integration site 1; minus strand). Cytogenetic location: 6q23.3.
Variant type: single nucleotide variant.
Coding change: c.2299G>T on transcript NM_001134831.2 (MANE Select); coding-DNA position 2299, G replaced by T.
Protein change: p.Val767Leu; replaces valine 767 with leucine.
Molecular consequence: missense variant.
Genome position (GRCh38, 1-based): chr6:135,431,282, C>A on the plus strand (G>T on the coding strand, the complement: AHI1 is on the minus strand). VCF-style: chr6-135431282-C-A. GRCh37 (hg19) VCF-style: chr6-135752420-C-A.
Other names: c.2299G>T, p.Val767Leu (NM_001134830.2, NM_001134832.2, NM_001350503.2 and 2 more transcripts); short protein forms V767L.
Identifiers: ClinVar variation 260843 (VCV000260843.14), dbSNP rs755688765, ClinGen allele CA4012400.